The following is an entry in ClinVar:

NM_000548.5(TSC2):c.1748C>G (p.Ala583Gly)

Gene: TSC2 (TSC complex subunit 2; plus strand). Cytogenetic location: 16p13.3.
Variant type: single nucleotide variant.
Coding change: c.1748C>G on transcript NM_000548.5 (MANE Select); coding-DNA position 1748, C replaced by G.
Protein change: p.Ala583Gly; replaces alanine 583 with glycine.
Molecular consequence: missense variant. On other transcripts: non-coding transcript variant (5).
Genome position (GRCh38, 1-based): chr16:2,070,487, C>G. VCF-style: chr16-2070487-C-G. GRCh37 (hg19) VCF-style: chr16-2120488-C-G.
Other names: c.1748C>G, p.Ala583Gly (NM_001077183.3, NM_001114382.3, NM_001363528.2 and 6 more transcripts); c.1637C>G, p.Ala546Gly (NM_001318827.2, NM_001406670.1, NM_001406678.1); c.1601C>G, p.Ala534Gly (NM_001318829.2, NM_001406675.1, NM_001406676.1 and 1 more transcripts); c.1148C>G, p.Ala383Gly (NM_001318831.2, NM_001406680.1, NM_001406682.1 and 6 more transcripts); c.1781C>G, p.Ala594Gly (NM_001318832.2); c.1838C>G, p.Ala613Gly (NM_001406667.1, NM_001406668.1); c.1736C>G, p.Ala579Gly (NM_001406671.1, NM_001406673.1); c.1691C>G, p.Ala564Gly (NM_001406677.1); and 3 more; short protein forms A429G, A49G, A534G, A579G, A594G, A564G, A583G, A613G.
Identifiers: ClinVar variation 3811369 (VCV003811369.1).

ClinVar aggregate classification (germline): Uncertain significance (1 of 4 stars; one submission).

Conditions:
Hereditary cancer-predisposing syndrome. Also called: Hereditary neoplastic syndrome; Neoplastic Syndromes, Hereditary; Tumor predisposition; Hereditary Cancer Syndrome. Identifiers: Orphanet 140162, MedGen C0027672, MeSH D009386, MONDO:0015356.

Submission:

Ambry Genetics
Classification: Uncertain significance for Hereditary cancer-predisposing syndrome. Last evaluated: 2025-03-13. Review status: criteria provided, single submitter. Criteria: Ambry Variant Classification Scheme 2023. Collection method: clinical testing. Allele origin: germline.
Comment: The p.A583G variant (also known as c.1748C>G), located in coding exon 16 of the TSC2 gene, results from a C to G substitution at nucleotide position 1748. The alanine at codon 583 is replaced by glycine, an amino acid with similar properties. This amino acid position is highly conserved in available vertebrate species. In addition, this alteration is predicted to be deleterious by in silico analysis. Based on the available evidence, the clinical significance of this variant remains unclear.